The following is an entry in ClinVar:

NM_001130009.3(GEN1):c.520A>T (p.Thr174Ser)

Gene: GEN1 (GEN1 Holliday junction 5' flap endonuclease; plus strand). Cytogenetic location: 2p24.2.
Variant type: single nucleotide variant.
Coding change: c.520A>T on transcript NM_001130009.3 (MANE Select); coding-DNA position 520, A replaced by T.
Protein change: p.Thr174Ser; replaces threonine 174 with serine.
Molecular consequence: missense variant.
Genome position (GRCh38, 1-based): chr2:17,765,068, A>T. VCF-style: chr2-17765068-A-T. GRCh37 (hg19) VCF-style: chr2-17946335-A-T.
Other names: c.520A>T, p.Thr174Ser (NM_182625.5); short protein forms T174S.
Identifiers: ClinVar variation 4263085 (VCV004263085.1).

ClinVar aggregate classification (germline): Uncertain significance (1 of 4 stars; one submission).

Submission:

Ambry Genetics
Classification: Uncertain significance. Last evaluated: 2025-08-19. Review status: criteria provided, single submitter. Criteria: Ambry Variant Classification Scheme 2023. Collection method: clinical testing. Allele origin: germline.
Comment: The p.T174S variant (also known as c.520A>T), located in coding exon 3 of the GEN1 gene, results from an A to T substitution at nucleotide position 520. The threonine at codon 174 is replaced by serine, an amino acid with similar properties. This amino acid position is conserved. In addition, this alteration is predicted to be tolerated by in silico analysis. Based on the available evidence, the clinical significance of this variant remains unclear.